The following is an entry in ClinVar:

ClinVar aggregate classification (germline): Uncertain significance. Review status: criteria provided, multiple submitters, no conflicts (2 of 4 stars). 3 submissions from 3 submitters: Uncertain significance (3). Last evaluated 2026-05-14.

Conditions:
Inborn genetic diseases. Identifiers: MedGen C0950123, MeSH D030342.
Intellectual disability. Also called: intellectual disabilities; Intellectual functioning disability; Intellectual developmental disorder. Identifiers: MedGen C3714756, MeSH D008607, MONDO:0001071, HP:0001249.

Allele frequency attached by ClinVar (database versions not stated): ExAC 0.00001; gnomAD exomes 0.00001; TOPMed 0.00003.
gnomAD v4.1: 6 of 1,209,649 alleles (0.0005%); highest among the groups gnomAD compares: Admixed American, 0.013%; no homozygotes.

Submissions (3):

Women's Health and Genetics/Laboratory Corporation of America, LabCorp
Classification: Uncertain significance. Last evaluated: 2026-05-14. Review status: criteria provided, single submitter. Criteria: LabCorp Variant Classification Summary - May 2015. Collection method: clinical testing. Allele origin: germline.
Comment: Variant summary: NLGN4X c.2284C>G (p.Leu762Val) results in a conservative amino acid change in the encoded protein sequence. Algorithms developed to predict the effect of missense changes on protein structure and function are either unavailable or do not agree on the potential impact of this missense change. The variant allele was found at a frequency of 1.1e-05 in 183520 control chromosomes (gnomAD). The available data on variant occurrences in the general population are insufficient to allow any conclusion about variant significance. c.2284C>G has been observed in an individual affected with intellectual disability (Vianna_2020). This report does not provide unequivocal conclusions about association of the variant with disease. To our knowledge, no experimental evidence demonstrating an impact on protein function has been reported. ClinVar contains an entry for this variant (Variation ID: 691985). Based on the evidence outlined above, the variant was classified as uncertain significance.

Human Genetics Laboratory, State University of Rio de Janeiro
Classification: Uncertain significance for Intellectual disability. Last evaluated: 2019-10-07. Review status: criteria provided, single submitter. Criteria: ACMG Guidelines, 2015. Collection method: research. Allele origin: de novo. Inheritance: Sporadic. Affected: yes. Observed: 1 heterozygote.

Ambry Genetics
Classification: Uncertain significance for Inborn genetic diseases. Last evaluated: 2018-03-20. Review status: criteria provided, single submitter. Criteria: Ambry Variant Classification Scheme 2023. Collection method: clinical testing. Allele origin: germline.
Comment: The p.L762V variant (also known as c.2284C>G), located in coding exon 5 of the NLGN4X gene, results from a C to G substitution at nucleotide position 2284. The leucine at codon 762 is replaced by valine, an amino acid with highly similar properties. This amino acid position is highly conserved in available vertebrate species. In addition, this alteration is predicted to be tolerated by in silico analysis. Since supporting evidence is limited at this time, the clinical significance of this alteration remains unclear.

Literature cited by the submitters: PubMed 32564284 (cited by Women's Health and Genetics/Laboratory Corporation of America, LabCorp).

NM_181332.3(NLGN4X):c.2284C>G (p.Leu762Val)

Gene: NLGN4X (neuroligin 4 X-linked; minus strand). Cytogenetic location: Xp22.32.
Variant type: single nucleotide variant.
Coding change: c.2284C>G on transcript NM_181332.3 (MANE Select); coding-DNA position 2284, C replaced by G.
Protein change: p.Leu762Val; replaces leucine 762 with valine.
Molecular consequence: missense variant.
Genome position (GRCh38, 1-based): chrX:5,892,984, G>C on the plus strand (C>G on the coding strand, the complement: NLGN4X is on the minus strand). VCF-style: chrX-5892984-G-C. GRCh37 (hg19) VCF-style: chrX-5811025-G-C.
Other names: c.2284C>G, p.Leu762Val (NM_001282145.2, NM_001282146.2, NM_020742.4); short protein forms L762V.
Identifiers: ClinVar variation 691985 (VCV000691985.7), dbSNP rs764361221, ClinGen allele CA10340905.